The following is an entry in ClinVar:

NM_000465.4(BARD1):c.1220T>C (p.Val407Ala)

Gene: BARD1 (BRCA1 associated RING domain 1; minus strand). Cytogenetic location: 2q35.
Variant type: single nucleotide variant.
Coding change: c.1220T>C on transcript NM_000465.4 (MANE Select); coding-DNA position 1220, T replaced by C.
Protein change: p.Val407Ala; replaces valine 407 with alanine.
Molecular consequence: missense variant. On other transcripts: non-coding transcript variant (2), intron variant (3).
Genome position (GRCh38, 1-based): chr2:214,780,654, A>G on the plus strand (T>C on the coding strand, the complement: BARD1 is on the minus strand). VCF-style: chr2-214780654-A-G. GRCh37 (hg19) VCF-style: chr2-215645378-A-G.
Other names: c.1163T>C, p.Val388Ala (NM_001282543.2); c.159-28099T>C (NM_001282548.2); c.215+16407T>C (NM_001282545.2); c.364+11643T>C (NM_001282549.2); short protein forms V388A, V407A.
Identifiers: ClinVar variation 3231762 (VCV003231762.1), dbSNP rs2469501849, ClinGen allele CA350453675.
Genomic context (GRCh38, chr2:214,780,654, plus strand): 5'-CTATGATTTCTTTTCACAGCCATATTGGGCAACAGCTTCATTGCTGAGGGACTAGACATC[A>G]CTCGCCTGTAACTTGAACTACTTAATGTAGAAGGTGGTGTACCTGGTGAAAGACTAATGA-3'
Protein context (NP_000456.2, residues 397-417): STLSSSSYRR[Val407Ala]MSSPSAMKLL

ClinVar aggregate classification (germline): Uncertain significance (1 of 4 stars; one submission).

Conditions:
Hereditary cancer-predisposing syndrome. Also called: Neoplastic Syndromes, Hereditary; Tumor predisposition; Hereditary neoplastic syndrome; Hereditary Cancer Syndrome. Identifiers: Orphanet 140162, MedGen C0027672, MeSH D009386, MONDO:0015356.

Submission:

Ambry Genetics
Classification: Uncertain significance for Hereditary cancer-predisposing syndrome. Last evaluated: 2023-10-21. Review status: criteria provided, single submitter. Criteria: Ambry Variant Classification Scheme 2023. Collection method: clinical testing. Allele origin: germline.
Comment: The p.V407A variant (also known as c.1220T>C), located in coding exon 4 of the BARD1 gene, results from a T to C substitution at nucleotide position 1220. The valine at codon 407 is replaced by alanine, an amino acid with similar properties. This amino acid position is conserved. In addition, this alteration is predicted to be tolerated by in silico analysis. Since supporting evidence is limited at this time, the clinical significance of this alteration remains unclear.